The following is an entry in ClinVar:

NM_006767.4(LZTR1):c.682del (p.Cys228fs)

Gene: LZTR1 (leucine zipper like post translational regulator 1; plus strand). Cytogenetic location: 22q11.21.
Variant type: Deletion.
Coding change: c.682del on transcript NM_006767.4 (MANE Select); coding-DNA position 682, one base deleted (T; older notation c.682delT).
Protein change: p.Cys228fs; shifts the reading frame from cysteine 228.
Molecular consequence: frameshift variant.
Genome position (GRCh38, 1-based): chr22:20,990,416, T deleted; the last of 2 consecutive T bases (chr22:20,990,415-20,990,416); deleting either gives the same sequence. VCF-style (leftmost placement, unchanged base first): chr22-20990414-CT-C. GRCh37 (hg19) VCF-style: chr22-21344703-CT-C.
Other names: short protein forms C228fs.
Identifiers: ClinVar variation 1755674 (VCV001755674.3), dbSNP rs2518615704, ClinGen allele CA2577656033.

ClinVar aggregate classification (germline): Pathogenic (1 of 4 stars; one submission).

Conditions:
Cardiovascular phenotype. Identifiers: MedGen CN230736.
Hereditary cancer-predisposing syndrome. Also called: Neoplastic Syndromes, Hereditary; Tumor predisposition; Hereditary Cancer Syndrome; Hereditary neoplastic syndrome. Identifiers: Orphanet 140162, MedGen C0027672, MeSH D009386, MONDO:0015356.

Submission:

Ambry Genetics
Classification: Pathogenic for Cardiovascular phenotype; Hereditary cancer-predisposing syndrome. Last evaluated: 2024-12-16. Review status: criteria provided, single submitter. Criteria: Ambry Variant Classification Scheme 2023. Collection method: clinical testing. Allele origin: germline.
Comment: The c.682delT pathogenic mutation, located in coding exon 8 of the LZTR1 gene, results from a deletion of one nucleotide at nucleotide position 682, causing a translational frameshift with a predicted alternate stop codon (p.C228Afs*24). This variant was not reported in population-based cohorts in the Genome Aggregation Database (gnomAD). Loss-of-function variants in LZTR1 are related to an increased risk for schwannomas and autosomal recessive Noonan syndrome; however, such associations with autosomal dominant Noonan syndrome have not been observed (Piotrowski A et al. Nat Genet. 2014 Feb;46:182-7; Yamamoto GL et al. J Med Genet. 2015 Jun;52:413-21; Johnston JJ et al. Genet Med. 2018 10;20:1175-1185). Based on the supporting evidence, this variant is pathogenic for an increased risk of LZTR1-related schwannomatosis (SWN) and would be expected to cause autosomal recessive Noonan syndrome when present along with a second pathogenic or likely pathogenic variant on the other allele; however, the association of this alteration with autosomal dominant Noonan syndrome is unlikely.